The following is an entry in ClinVar:

NM_207111.4(RNF216):c.687G>A (p.Trp229Ter)

Gene: RNF216 (ring finger protein 216; minus strand). Cytogenetic location: 7p22.1.
Variant type: single nucleotide variant.
Coding change: c.687G>A on transcript NM_207111.4 (MANE Select); coding-DNA position 687, G replaced by A.
Protein change: p.Trp229Ter; replaces tryptophan 229 with a stop codon.
Molecular consequence: nonsense.
Genome position (GRCh38, 1-based): chr7:5,741,330, C>T on the plus strand (G>A on the coding strand, the complement: RNF216 is on the minus strand). VCF-style: chr7-5741330-C-T. GRCh37 (hg19) VCF-style: chr7-5780961-C-T.
Other names: c.516G>A, p.Trp172Ter (NM_001377156.1, NM_207116.3); short protein forms W172*, W229*.
Identifiers: ClinVar variation 841220 (VCV000841220.8), dbSNP rs1186852853, ClinGen allele CA366735397.
Genomic context (GRCh38, chr7:5,741,330, plus strand): 5'-GACCTGGTTTGTTATTTCACGGGGCTGTTGGTTCAGAGACTGGAAGTAAGGATGATCTAA[C>T]CAGCAGTCTTCTTCGATGGCCTGATCATCTGCTAGAGCAGCTGACTCTCCTAGATTTGAT-3'

ClinVar aggregate classification (germline): Pathogenic/Likely pathogenic. Review status: criteria provided, multiple submitters, no conflicts (2 of 4 stars). 2 submissions from 2 submitters: Pathogenic (1); Likely pathogenic (1). Last evaluated 2025-12-11.

Conditions:
Cerebellar ataxia-hypogonadism syndrome. Also called: Gordon Holmes syndrome; Luteinizing hormone releasing hormone, deficiency of with ataxia; Cerebellar ataxia hypogonadotropic hypogonadism; LHRH DEFICIENCY AND ATAXIA; CEREBELLAR ATAXIA AND HYPOGONADOTROPIC HYPOGONADISM. Identifiers: Orphanet 1173, MedGen C1859305, MONDO:0008935, OMIM 212840.

Allele frequency attached by ClinVar (database versions not stated): gnomAD exomes below 0.00001.
gnomAD v4.1: 1 of 1,614,132 alleles (0.000062%); highest among the groups gnomAD compares: Admixed American, 0.0017%; no homozygotes.

Submissions (2):

Medical and Scientific Branch, Hong Kong Genome Institute
Classification: Likely pathogenic for Cerebellar ataxia-hypogonadism syndrome. Last evaluated: 2025-12-11. Review status: criteria provided, single submitter. Criteria: ACMG Guidelines, 2015. Collection method: clinical testing. Allele origin: germline. Affected: yes.

Labcorp Genetics (formerly Invitae), Labcorp
Classification: Pathogenic. Last evaluated: 2019-04-23. Review status: criteria provided, single submitter. Criteria: Invitae Variant Classification Sherloc (09022015). Collection method: clinical testing. Allele origin: germline.
Comment: This sequence change creates a premature translational stop signal (p.Trp229*) in the RNF216 gene. It is expected to result in an absent or disrupted protein product. For these reasons, this variant has been classified as Pathogenic. Loss-of-function variants in RNF216 are known to be pathogenic (PMID: 24108619, 25841028). This variant has not been reported in the literature in individuals with RNF216-related conditions. This variant is not present in population databases (ExAC no frequency).

Literature cited by the submitters: PubMed 24108619 (cited by Labcorp Genetics (formerly Invitae), Labcorp); PubMed 25841028 (cited by Labcorp Genetics (formerly Invitae), Labcorp).